The following is an entry in ClinVar:

ClinVar aggregate classification (germline): Uncertain significance (1 of 4 stars; one submission).

gnomAD v4.1: 2 of 1,614,236 alleles (0.00012%); highest among the groups gnomAD compares: African/African-American, 0.0013%; no homozygotes.

Submission:

CeGaT Center for Human Genetics Tuebingen
Classification: Uncertain significance. Last evaluated: 2026-07-01. Review status: criteria provided, single submitter. Criteria: CeGaT Center For Human Genetics Tuebingen Variant Classification Criteria Version 2. Collection method: clinical testing. Allele origin: germline. Affected: yes. Observed: 1 variant allele.
Comment: TAF6: PM2

NM_139315.3(TAF6):c.77T>C (p.Met26Thr)

Gene: TAF6 (TATA-box binding protein associated factor 6; minus strand). Cytogenetic location: 7q22.1.
Variant type: single nucleotide variant.
Coding change: c.77T>C on transcript NM_139315.3 (MANE Select); coding-DNA position 77, T replaced by C.
Protein change: p.Met26Thr; replaces methionine 26 with threonine.
Molecular consequence: missense variant. On other transcripts: non-coding transcript variant (1).
Genome position (GRCh38, 1-based): chr7:100,114,133, A>G on the plus strand (T>C on the coding strand, the complement: TAF6 is on the minus strand). VCF-style: chr7-100114133-A-G. GRCh37 (hg19) VCF-style: chr7-99711756-A-G.
Other names: c.188T>C, p.Met63Thr (NM_001190415.2); c.77T>C, p.Met26Thr (NM_001364998.1, NM_001364999.1, NM_001365000.1 and 4 more transcripts); c.215T>C, p.Met72Thr (NM_001365004.1); short protein forms M26T, M63T, M72T.
Identifiers: ClinVar variation 5039658 (VCV005039658.1).